The following is an entry in ClinVar:

ClinVar aggregate classification (germline): Uncertain significance (1 of 4 stars; one submission).

Conditions:
Autosomal recessive polycystic kidney disease (ARPKD). Also called: AR polycystic kidney disease. Identifiers: Orphanet 731, Orphanet 8378, MedGen C0085548, MeSH D017044, MONDO:0009889.

Submission:

Labcorp Genetics (formerly Invitae), Labcorp
Classification: Uncertain significance for Autosomal recessive polycystic kidney disease. Last evaluated: 2017-04-10. Review status: criteria provided, single submitter. Criteria: Invitae Variant Classification Sherloc (09022015). Collection method: clinical testing. Allele origin: germline.
Comment: In summary, this variant is a novel missense change with uncertain impact on protein function. It has been classified as a Variant of Uncertain Significance. Algorithms developed to predict the effect of missense changes on protein structure and function do not agree on the potential impact of this missense change (SIFT: "Deleterious"; PolyPhen-2: "Probably Damaging"; Align-GVGD: "Class C0"). This variant is not present in population databases (ExAC no frequency) and has not been reported in the literature in individuals with a PKHD1-related disease. This sequence change replaces valine with phenylalanine at codon 1716 of the PKHD1 protein (p.Val1716Phe). The valine residue is highly conserved and there is a small physicochemical difference between valine and phenylalanine.

NM_138694.4(PKHD1):c.5146G>T (p.Val1716Phe)

Genes: PKHD1 (PKHD1 ciliary IPT domain containing fibrocystin/polyductin; minus strand), LOC126859690 (MED14-independent group 3 enhancer GRCh37_chr6:51888848-51890047; plus strand). Cytogenetic location: 6p12.2.
Variant type: single nucleotide variant.
Coding change: c.5146G>T on transcript NM_138694.4 (MANE Select); coding-DNA position 5146, G replaced by T.
Protein change: p.Val1716Phe; replaces valine 1716 with phenylalanine.
Molecular consequence: missense variant.
Genome position (GRCh38, 1-based): chr6:52,024,664, C>A on the plus strand (G>T on the coding strand, the complement: PKHD1 is on the minus strand). VCF-style: chr6-52024664-C-A. GRCh37 (hg19) VCF-style: chr6-51889462-C-A.
Other names: c.5146G>T, p.Val1716Phe (NM_170724.3); short protein forms V1716F.
Identifiers: ClinVar variation 458601 (VCV000458601.9), dbSNP rs751058491, ClinGen allele CA364428359.